The following is an entry in ClinVar:

ClinVar aggregate classification (germline): Uncertain significance (1 of 4 stars; one submission).

Allele frequency attached by ClinVar (database versions not stated): TOPMed below 0.00001; gnomAD 0.00001.
gnomAD v4.1: 1 of 1,611,460 alleles (0.000062%); highest among the groups gnomAD compares: Admixed American, 0.0017%; no homozygotes.

Submission:

Labcorp Genetics (formerly Invitae), Labcorp
Classification: Uncertain significance. Last evaluated: 2020-08-22. Review status: criteria provided, single submitter. Criteria: Invitae Variant Classification Sherloc (09022015). Collection method: clinical testing. Allele origin: germline.
Comment: This sequence change replaces cysteine with arginine at codon 9 of the PDHX protein (p.Cys9Arg). The cysteine residue is moderately conserved and there is a large physicochemical difference between cysteine and arginine. This variant is not present in population databases (ExAC no frequency). This variant has not been reported in the literature in individuals with PDHX-related conditions. Algorithms developed to predict the effect of missense changes on protein structure and function (SIFT, PolyPhen-2, Align-GVGD) all suggest that this variant is likely to be tolerated, but these predictions have not been confirmed by published functional studies and their clinical significance is uncertain. In summary, the available evidence is currently insufficient to determine the role of this variant in disease. Therefore, it has been classified as a Variant of Uncertain Significance.

NM_003477.3(PDHX):c.25T>C (p.Cys9Arg)

Genes: PDHX (pyruvate dehydrogenase complex component X; plus strand), LOC130005549 (ATAC-STARR-seq lymphoblastoid active region 4608; plus strand). Cytogenetic location: 11p13.
Variant type: single nucleotide variant.
Coding change: c.25T>C on transcript NM_003477.3 (MANE Select); coding-DNA position 25, T replaced by C.
Protein change: p.Cys9Arg; replaces cysteine 9 with arginine.
Molecular consequence: missense variant. On other transcripts: intron variant (1).
Genome position (GRCh38, 1-based): chr11:34,916,680, T>C. VCF-style: chr11-34916680-T-C. GRCh37 (hg19) VCF-style: chr11-34938227-T-C.
Other names: c.25T>C, p.Cys9Arg (NM_001166158.2); c.-21+194T>C (NM_001135024.2); short protein forms C9R.
Identifiers: ClinVar variation 1007315 (VCV001007315.9), dbSNP rs1853718832, ClinGen allele CA380123664.